The following is an entry in ClinVar:

ClinVar aggregate classification (germline): Likely benign (1 of 4 stars; one submission).

gnomAD v4.1: 553 of 1,613,508 alleles (0.034%); highest among the groups gnomAD compares: South Asian, 0.38%; 5 homozygotes.

Submission:

CeGaT Center for Human Genetics Tuebingen
Classification: Likely benign. Last evaluated: 2026-03-01. Review status: criteria provided, single submitter. Criteria: CeGaT Center For Human Genetics Tuebingen Variant Classification Criteria Version 2. Collection method: clinical testing. Allele origin: germline. Affected: yes. Observed: 2 variant alleles.
Comment: EBF3: BP4, BS1

NM_001375380.1(EBF3):c.1545T>C (p.Ala515=)

Gene: EBF3 (EBF transcription factor 3; minus strand). Cytogenetic location: 10q26.3.
Variant type: single nucleotide variant.
Coding change: c.1545T>C on transcript NM_001375380.1 (MANE Select); coding-DNA position 1545, T replaced by C.
Protein change: p.Ala515=; no amino-acid change (alanine 515 retained).
Molecular consequence: synonymous variant. On other transcripts: intron variant (1).
Genome position (GRCh38, 1-based): chr10:129,840,860, A>G on the plus strand (T>C on the coding strand, the complement: EBF3 is on the minus strand). VCF-style: chr10-129840860-A-G. GRCh37 (hg19) VCF-style: chr10-131639124-A-G.
Other names: c.1518T>C, p.Ala506= (NM_001005463.3, NM_001375390.1); c.1545T>C, p.Ala515= (NM_001375379.1, NM_001375389.1, NM_001375391.1); c.1346-418T>C (NM_001375392.1).
Identifiers: ClinVar variation 3257656 (VCV003257656.17).